The following is an entry in ClinVar:

ClinVar aggregate classification (germline): Pathogenic/Likely pathogenic. Review status: criteria provided, multiple submitters, no conflicts (2 of 4 stars). 6 submissions from 4 submitters: Pathogenic (1); Likely pathogenic (1). 4 of the submissions do not count toward it. Last evaluated 2019-03-07.

Conditions:
Breast-ovarian cancer, familial, susceptibility to, 1 (BROVCA1). Also called: BRCA1 Hereditary Breast and Ovarian Cancer; OVARIAN CANCER, SUSCEPTIBILITY TO. Identifiers: Orphanet 145, MedGen C2676676, MONDO:0011450, OMIM 604370. Disease mechanism: loss of function.
Fanconi anemia, complementation group S (FANCS). Identifiers: MedGen C4554406, MONDO:0054748, OMIM 617883.
Hereditary cancer-predisposing syndrome. Also called: Tumor predisposition; Hereditary Cancer Syndrome; Neoplastic Syndromes, Hereditary; Hereditary neoplastic syndrome. Identifiers: Orphanet 140162, MedGen C0027672, MeSH D009386, MONDO:0015356.
Fanconi anemia complementation group A (FANCA). Also called: FANCA-Related Fanconi Anemia; Fanconi anemia, group A. Identifiers: Orphanet 84, MedGen C3469521, MONDO:0009215, OMIM 227650.

Submissions (6):

Ambry Genetics
Classification: Likely pathogenic for Hereditary cancer-predisposing syndrome. Last evaluated: 2019-03-07. Review status: criteria provided, single submitter. Criteria: Ambry Variant Classification Scheme 2023. Collection method: clinical testing. Allele origin: germline.
Comment: The c.594_597delTGTG variant, located in coding exon 8 of the BRCA1 gene, results from a deletion of 4 nucleotides at nucleotide positions 594 to 597, causing a translational frameshift with a predicted alternate stop codon (p.S198Rfs*35). Cells from this patient had numerous defects including reduced BRCA1 and RAD51 foci formation and ultrasensitivity to PARP inhibitors. These defects were rescued by a partial BRCA1 transgene to a level comparable to a sibling whose cells had only one BRCA1 alteration. This suggests that these defects are due specifically to BRCA1 deficiency (Sawyer SL et al. Cancer Discov, 2015 Feb;5:135-42). Alterations that result in premature protein truncation are typically deleterious in nature; however, this alteration occurs in one of the exons that is absent in a predominant, in-frame, naturally occurring isoform (&Delta;7_8, also known as &Delta;9,10 in the literature) and is likely to be spliced out in this normal isoform that produces a partially functional protein (Colombo M et al. Hum. Mol. Genet. 2014 Jul;23:3666-80; Whiley PJ et al. Clin. Chem. 2014 Feb;60:341-52), Therefore, the effect of this variant in a heterozygous state may be hypomorphic. Based on the majority of available evidence to date, this variant is likely to be pathogenic. However, because this variant is identified in one or more patients with Fanconi Anemia it may be hypomorphic and thus, carriers of this variant and their families may present with reduced risks, and not with the typical clinical characteristics of a high-risk pathogenic BRCA1 alteration. As risk estimates are unknown at this time, clinical correlation is advised.

Consortium of Investigators of Modifiers of BRCA1/2 (CIMBA), c/o University of Cambridge
Classification: Pathogenic for Breast-ovarian cancer, familial, susceptibility to, 1. Last evaluated: 2015-10-02. Review status: criteria provided, single submitter. Criteria: CIMBA Mutation Classification guidelines May 2016. Collection method: clinical testing. Allele origin: germline.

University of Washington Center for Mendelian Genomics, University of Washington
Classification: Pathogenic for Fanconi anemia, complementation group A. Last evaluated: 2015-05-19. Review status: no assertion criteria provided. Collection method: research. Allele origin: maternal. Affected: yes. Observed: 1 variant allele. Not counted in ClinVar's aggregate classification.

OMIM
Classification: Pathogenic for FANCONI ANEMIA, COMPLEMENTATION GROUP S. Last evaluated: 2015-02-01. Review status: no assertion criteria provided. Collection method: literature only. Allele origin: germline. Not counted in ClinVar's aggregate classification.

OMIM
Classification: Pathogenic for BREAST-OVARIAN CANCER, FAMILIAL, SUSCEPTIBILITY TO, 1. Last evaluated: 2015-02-01. Review status: no assertion criteria provided. Collection method: literature only. Allele origin: germline. Not counted in ClinVar's aggregate classification.

University of Washington Center for Mendelian Genomics, University of Washington
Classification: Likely pathogenic for Fanconi anemia, complementation group S. Review status: no assertion criteria provided. Collection method: research. Allele origin: inherited. Affected: yes. Not counted in ClinVar's aggregate classification.

Literature cited by the submitters: PubMed 24569164 (cited by Ambry Genetics); PubMed 25472942 (cited by 3 submitters); PubMed 33098347 (cited by University of Washington Center for Mendelian Genomics, University of Washington).

NM_007294.4(BRCA1):c.594_597delTGTG

Gene: BRCA1 (BRCA1 DNA repair associated; minus strand). Cytogenetic location: 17q21.31.
Variant type: Deletion.
Coding change: c.594_597delTGTG on transcript NM_007294.4 (MANE Select); coding-DNA positions 594 to 597, 4 bases deleted (TGTG).
Molecular consequence: splice acceptor variant.
Genome position (GRCh38, 1-based): chr17:43,095,919-43,095,922, CACA deleted on the plus strand (TGTG on the coding strand, the reverse complement: BRCA1 is on the minus strand); deleting any 4 consecutive bases within chr17:43,095,919-43,095,923 gives the same sequence; the c. name uses the placement nearest the transcript's 3' end. VCF-style (leftmost placement, unchanged base first): chr17-43095918-CCACA-C. GRCh37 (hg19) VCF-style: chr17-41247935-CCACA-C.
Identifiers: ClinVar variation 209105 (VCV000209105.14), dbSNP rs797045175, ClinGen allele CA276117.